The following is an entry in ClinVar:

ClinVar aggregate classification (germline): Uncertain significance. Review status: criteria provided, multiple submitters, no conflicts (2 of 4 stars). 2 submissions from 2 submitters: Uncertain significance (2). Last evaluated 2025-03-18.

Conditions:
Hereditary pancreatitis (PCTT). Also called: PRSS1-Related Hereditary Pancreatitis; Hereditary chronic pancreatitis. Identifiers: Orphanet 676, MedGen C0238339, MONDO:0008185, OMIM 167800.

Allele frequency attached by ClinVar (database versions not stated): gnomAD exomes 0.00001; gnomAD 0.00004 and 0.00006; TOPMed 0.00006.
gnomAD v4.1: 16 of 1,614,088 alleles (0.00099%); highest among the groups gnomAD compares: Admixed American, 0.013%; no homozygotes.

Submissions (2):

Ambry Genetics
Classification: Uncertain significance for Hereditary pancreatitis. Last evaluated: 2025-03-18. Review status: criteria provided, single submitter. Criteria: Ambry Variant Classification Scheme 2023. Collection method: clinical testing. Allele origin: germline.
Comment: The p.P140L variant (also known as c.419C>T), located in coding exon 4 of the CPA1 gene, results from a C to T substitution at nucleotide position 419. The proline at codon 140 is replaced by leucine, an amino acid with similar properties. This amino acid position is well conserved in available vertebrate species. In addition, this alteration is predicted to be tolerated by in silico analysis. Since supporting evidence is limited at this time, the clinical significance of this alteration remains unclear.

Labcorp Genetics (formerly Invitae), Labcorp
Classification: Uncertain significance. Last evaluated: 2025-03-04. Review status: criteria provided, single submitter. Criteria: Invitae Variant Classification Sherloc (09022015). Collection method: clinical testing. Allele origin: germline.
Comment: This sequence change replaces proline, which is neutral and non-polar, with leucine, which is neutral and non-polar, at codon 140 of the CPA1 protein (p.Pro140Leu). This variant is present in population databases (no rsID available, gnomAD 0.003%). This variant has not been reported in the literature in individuals affected with CPA1-related conditions. ClinVar contains an entry for this variant (Variation ID: 1044094). Invitae Evidence Modeling of protein sequence and biophysical properties (such as structural, functional, and spatial information, amino acid conservation, physicochemical variation, residue mobility, and thermodynamic stability) indicates that this missense variant is not expected to disrupt CPA1 protein function with a negative predictive value of 80%. In summary, the available evidence is currently insufficient to determine the role of this variant in disease. Therefore, it has been classified as a Variant of Uncertain Significance.

NM_001868.4(CPA1):c.419C>T (p.Pro140Leu)

Gene: CPA1 (carboxypeptidase A1; plus strand). Cytogenetic location: 7q32.2.
Variant type: single nucleotide variant.
Coding change: c.419C>T on transcript NM_001868.4 (MANE Select); coding-DNA position 419, C replaced by T.
Protein change: p.Pro140Leu; replaces proline 140 with leucine.
Molecular consequence: missense variant.
Genome position (GRCh38, 1-based): chr7:130,382,145, C>T. VCF-style: chr7-130382145-C-T. GRCh37 (hg19) VCF-style: chr7-130021986-C-T.
Other names: short protein forms P140L.
Identifiers: ClinVar variation 1044094 (VCV001044094.12), dbSNP rs1186893434, ClinGen allele CA369280914.
Genomic context (GRCh38, chr7:130,382,145, plus strand): 5'-TGGTCTCTTCTTTCACACCTCAGATCTATGACTTCCTGGACCTGCTGGTGGCGGAGAACC[C>T]GCACCTTGTCAGCAAGATCCAGATTGGCAACACCTATGAAGGGCGTCCCATTTACGTGCT-3'
Protein context (NP_001859.1, residues 130-150): DFLDLLVAEN[Pro140Leu]HLVSKIQIGN